The following is an entry in ClinVar:

ClinVar aggregate classification (germline): Pathogenic (1 of 4 stars; one submission).

Conditions:
Duchenne muscular dystrophy (DMD). Also called: MUSCULAR DYSTROPHY, PSEUDOHYPERTROPHIC PROGRESSIVE, DUCHENNE TYPE; Duchenne Muscular Dystrophy (DMD). Identifiers: Orphanet 98896, MedGen C0013264, MONDO:0010679, OMIM 310200.

Submission:

Labcorp Genetics (formerly Invitae), Labcorp
Classification: Pathogenic for Duchenne muscular dystrophy. Last evaluated: 2018-09-20. Review status: criteria provided, single submitter. Criteria: Invitae Variant Classification Sherloc (09022015). Collection method: clinical testing. Allele origin: germline.
Comment: This sequence change creates a premature translational stop signal (p.Gln2961*) in the DMD gene. It is expected to result in an absent or disrupted protein product. This variant is not present in population databases (ExAC no frequency). This variant has not been reported in the literature in individuals with DMD-related disease. Loss-of-function variants in DMD are known to be pathogenic (PMID: 16770791, 25007885). For these reasons, this variant has been classified as Pathogenic.

Literature cited by the submitters: PubMed 16770791; PubMed 25007885.

NM_004006.3(DMD):c.8881C>T (p.Gln2961Ter)

Gene: DMD (dystrophin; minus strand). Cytogenetic location: Xp21.2.
Variant type: single nucleotide variant.
Coding change: c.8881C>T on transcript NM_004006.3 (MANE Select); coding-DNA position 8881, C replaced by T.
Protein change: p.Gln2961Ter; replaces glutamine 2961 with a stop codon.
Molecular consequence: nonsense.
Genome position (GRCh38, 1-based): chrX:31,478,162, G>A on the plus strand (C>T on the coding strand, the complement: DMD is on the minus strand). VCF-style: chrX-31478162-G-A. GRCh37 (hg19) VCF-style: chrX-31496279-G-A.
Other names: c.8857C>T, p.Gln2953Ter (NM_000109.4); c.8869C>T, p.Gln2957Ter (NM_004009.3); c.8512C>T, p.Gln2838Ter (NM_004010.3); c.4858C>T, p.Gln1620Ter (NM_004011.4); c.4849C>T, p.Gln1617Ter (NM_004012.4); c.1501C>T, p.Gln501Ter (NM_004013.3, NM_004020.4, NM_004021.3 and 2 more transcripts); c.694C>T, p.Gln232Ter (NM_004014.3); short protein forms Q1617*, Q1620*, Q2961*, Q232*, Q2838*, Q2953*, Q2957*, Q501*.
Identifiers: ClinVar variation 643851 (VCV000643851.7), dbSNP rs1603222095, ClinGen allele CA412653952.
Genomic context (GRCh38, chrX:31,478,162, plus strand): 5'-GTACCTTGACTTTCTCGAGGTGATCTTGGAGAGAGTCAATGAGGAGATCGCCCACGGGCT[G>A]CCAGGATCCCTTGATCACCTCAGCTTGGCGCAGCTTGAGGTCCAGCTCATCCGTGGCCTC-3'